The following is an entry in ClinVar:

ClinVar aggregate classification (germline): Likely pathogenic. Review status: reviewed by expert panel (3 of 4 stars). 3 submissions from 3 submitters: Likely pathogenic (1). 2 of the submissions do not count toward it. Last evaluated 2026-10-02.

Conditions:
Hereditary thrombocytopenia and hematologic cancer predisposition syndrome. Identifiers: Orphanet 71290, MedGen CN281654, MONDO:0011071.
RUNX1-related disorder. Also called: RUNX1-related condition.
Inborn genetic diseases. Identifiers: MedGen C0950123, MeSH D030342.

Submissions (3):

ClinGen Myeloid Malignancy Variant Curation Expert Panel
Classification: Likely pathogenic for Hereditary thrombocytopenia and hematologic cancer predisposition syndrome. Last evaluated: 2026-10-02. Review status: reviewed by expert panel. Criteria: ClinGen MyeloMalig ACMG Specifications V3.1. Collection method: curation. Allele origin: germline. Inheritance: Autosomal dominant inheritance.
Comment: NM_001754.5(RUNX1):c.1036del (p.Arg346AlafsTer?) is a frameshift variant which is not predicted to undergo NMD (PVS1_Strong). This variant is downstream of c.98 (PM5_Supporting) and is completely absent from all population databases with at least 20x coverage for RUNX1 (PM2_Supporting). In summary, this variant meets criteria to be classified as likely pathogenic. ACMG/AMP criteria applied, as specified by the Myeloid Malignancy Variant Curation Expert Panel for RUNX1: PVS1_Strong, PM5_Supporting, PM2_Supporting.

Ambry Genetics
Classification: Uncertain significance for Inborn genetic diseases. Last evaluated: 2025-07-14. Review status: criteria provided, single submitter. Criteria: Ambry Variant Classification Scheme 2023. Collection method: clinical testing. Allele origin: germline. Not counted in ClinVar's aggregate classification.
Comment: The c.1036delC variant, located in coding exon 8 of the RUNX1 gene, results from a deletion of one nucleotide at nucleotide position 1036, causing a translational frameshift with a predicted alternate stop codon (p.R346Afs*248). This alteration occurs at the 3' terminus of theRUNX1 gene, is not expected to trigger nonsense-mediated mRNAdecay and results in the elongation of the protein by 112 amino acids. This frameshift impacts the last 136amino acids (28%) of the native protein. The exact functional effect of the altered amino acids is unknown. Based on the available evidence, the clinical significance of this variant remains unclear.

PreventionGenetics, part of Exact Sciences
Classification: Pathogenic for RUNX1-related condition. Last evaluated: 2023-10-11. Review status: criteria provided, single submitter. Criteria: ACMG Guidelines, 2015. Collection method: clinical testing. Allele origin: germline. Not counted in ClinVar's aggregate classification.
Comment: The RUNX1 c.1036delC variant is predicted to result in a frameshift and premature protein termination (p.Arg346Alafs*248). This variant has been reported in an individual with chronic myeloid leukemia (Ernst et al. 2020. PubMed ID: 31836850). This variant is not reported in a large population database, indicating this variant is rare. Frameshift variants in RUNX1 are expected to be pathogenic. This variant is interpreted as pathogenic.

NM_001754.5(RUNX1):c.1036del (p.Arg346fs)

Gene: RUNX1 (RUNX family transcription factor 1; minus strand). Cytogenetic location: 21q22.12.
Variant type: Deletion.
Coding change: c.1036del on transcript NM_001754.5 (MANE Select); coding-DNA position 1036, one base deleted (C; older notation c.1036delC).
Protein change: p.Arg346fs; shifts the reading frame from arginine 346.
Molecular consequence: frameshift variant.
Genome position (GRCh38, 1-based): chr21:34,792,542, G deleted on the plus strand (C on the coding strand, the reverse complement: RUNX1 is on the minus strand); the first of 5 consecutive G bases (chr21:34,792,542-34,792,546); deleting any one gives the same sequence. VCF-style (leftmost placement, unchanged base first): chr21-34792541-CG-C. GRCh37 (hg19) VCF-style: chr21-36164838-CG-C.
Other names: NM_001754.5(RUNX1):c.1036del; p.Arg346fs; c.1036delC (NM_001754.4); c.955del, p.Arg319fs (NM_001001890.3); short protein forms R319fs, R346fs.
Identifiers: ClinVar variation 2634012 (VCV002634012.4), dbSNP rs1601333612, ClinGen allele CA2497030041.
Genomic context (GRCh38, chr21:34,792,541, plus strand): 5'-ATGCCGATGCCCGAGGTGACCGGCGTCGGGGAGTAGGTGAAGGCGCCTGGATAGTGCATG[CG>C]GGGGTCGGAGATGGAGGGCAGCGCGGGGAACTGGCGCGGGTCGCTGAACGCTGTCAGGTC-3'